The following is an entry in ClinVar:

NM_004055.5(CAPN5):c.1092G>A (p.Thr364=)

Gene: CAPN5 (calpain 5; plus strand). Cytogenetic location: 11q13.5.
Variant type: single nucleotide variant.
Coding change: c.1092G>A on transcript NM_004055.5 (MANE Select); coding-DNA position 1092, G replaced by A.
Protein change: p.Thr364=; no amino-acid change (threonine 364 retained).
Molecular consequence: synonymous variant.
Genome position (GRCh38, 1-based): chr11:77,118,277, G>A. VCF-style: chr11-77118277-G-A. GRCh37 (hg19) VCF-style: chr11-76829323-G-A.
Other names: c.1092G>A (NM_004055.4).
Identifiers: ClinVar variation 1140295 (VCV001140295.11), dbSNP rs150707637, ClinGen allele CA6196684.

ClinVar aggregate classification (germline): Likely benign. Review status: criteria provided, multiple submitters, no conflicts (2 of 4 stars). 3 submissions from 3 submitters: Likely benign (3). Last evaluated 2026-01-05.

Conditions:
CAPN5-related disorder. Also called: CAPN5-related condition.

Allele frequency attached by ClinVar (database versions not stated): ExAC 0.00006; gnomAD exomes 0.00007 and 0.00011; ESP Exome Variant Server 0.00008; gnomAD 0.00012 and 0.00013; TOPMed 0.00019.

Submissions (3):

Labcorp Genetics (formerly Invitae), Labcorp
Classification: Likely benign. Last evaluated: 2026-01-05. Review status: criteria provided, single submitter. Criteria: Invitae Variant Classification Sherloc (09022015). Collection method: clinical testing. Allele origin: germline.

PreventionGenetics, part of Exact Sciences
Classification: Likely benign for CAPN5-related condition. Last evaluated: 2025-12-16. Review status: criteria provided, single submitter. Criteria: ACMG Guidelines, 2015. Collection method: clinical testing. Allele origin: germline.
Comment: This variant is classified as likely benign based on ACMG/AMP sequence variant interpretation guidelines (Richards et al. 2015 PMID: 25741868, with internal and published modifications).

Blueprint Genetics
Classification: Likely benign. Last evaluated: 2024-09-18. Review status: criteria provided, single submitter. Criteria: ACMG Guidelines, 2015. Collection method: clinical testing. Allele origin: germline.